The following is an entry in ClinVar:

ClinVar aggregate classification (germline): Uncertain significance. Review status: criteria provided, single submitter (1 of 4 stars). 2 submissions from 2 submitters: Uncertain significance (1). 1 of the submissions does not count toward it. Last evaluated 2025-03-04.

Conditions:
Hereditary factor X deficiency disease. Also called: Congenital factor X deficiency; STUART-PROWER FACTOR DEFICIENCY. Identifiers: Orphanet 328, MedGen C0272327, MONDO:0009212, OMIM 227600.

Allele frequency attached by ClinVar (database versions not stated): ExAC 0.00003; gnomAD exomes 0.00003 and 0.00006; gnomAD 0.00004 and 0.00005; TOPMed 0.00005; ESP Exome Variant Server 0.00008.
gnomAD v4.1: 86 of 1,612,798 alleles (0.0053%); highest among the groups gnomAD compares: Non-Finnish European, 0.0069%; no homozygotes.

Submissions (2):

Center for Genomic Medicine, Rigshospitalet, Copenhagen University Hospital
Classification: Uncertain significance. Last evaluated: 2025-03-04. Review status: criteria provided, single submitter. Criteria: ACMG Guidelines, 2015. Collection method: clinical testing. Allele origin: germline.

ISTH-SSC Genomics in Thrombosis and Hemostasis, KU Leuven, Center for Molecular and Vascular Biology
Classification: Likely pathogenic for Hereditary factor X deficiency disease. Review status: no assertion criteria provided. Collection method: research. Allele origin: unknown. Affected: yes. Not counted in ClinVar's aggregate classification.
Comment: Submitted to GoldVariant by Dr Karyn Mégy from NIHR Bioresource - Cambridge University, UK

NM_000504.4(F10):c.1097G>A (p.Arg366His)

Genes: F10 (coagulation factor X; plus strand), F10-AS2 (F10 antisense RNA 2; minus strand). Cytogenetic location: 13q34.
Variant type: single nucleotide variant.
Coding change: c.1097G>A on transcript NM_000504.4 (MANE Select); coding-DNA position 1097, G replaced by A.
Protein change: p.Arg366His; replaces arginine 366 with histidine.
Molecular consequence: missense variant. On other transcripts: 3 prime UTR variant (1).
Genome position (GRCh38, 1-based): chr13:113,149,147, G>A. VCF-style: chr13-113149147-G-A. GRCh37 (hg19) VCF-style: chr13-113803461-G-A.
Other names: c.965G>A, p.Arg322His (NM_001312674.2); c.*88G>A (NM_001312675.2); short protein forms R322H, R366H.
Identifiers: ClinVar variation 1684310 (VCV001684310.2), dbSNP rs143715673, ClinGen allele CA7060685.